The following is an entry in ClinVar:

NM_006614.4(CHL1):c.1978+4G>A

Genes: CHL1 (cell adhesion molecule L1 like; plus strand), CHL1-AS1 (CHL1 antisense RNA 1; minus strand). Cytogenetic location: 3p26.3.
Variant type: single nucleotide variant.
Coding change: c.1978+4G>A on transcript NM_006614.4 (MANE Select); 4 bases into the intron after coding-DNA position 1978, G replaced by A.
Molecular consequence: intron variant.
Genome position (GRCh38, 1-based): chr3:382,284, G>A. VCF-style: chr3-382284-G-A. GRCh37 (hg19) VCF-style: chr3-423967-G-A.
Other names: c.1930+4G>A (NM_001253387.2); c.1978+4G>A (NM_001253388.1).
Identifiers: ClinVar variation 2653436 (VCV002653436.24), dbSNP rs376774450, ClinGen allele CA2224954.

ClinVar aggregate classification (germline): Likely benign (1 of 4 stars; one submission).

Allele frequency attached by ClinVar (database versions not stated): TOPMed 0.00006; gnomAD 0.00014; ESP Exome Variant Server 0.00015; gnomAD exomes 0.00039; 1000 Genomes Project 0.00060; 1000 Genomes Project 30x 0.00062; ExAC 0.00070.
gnomAD v4.1: 587 of 1,610,592 alleles (0.036%); highest among the groups gnomAD compares: South Asian, 0.59%; 6 homozygotes.

Submission:

CeGaT Center for Human Genetics Tuebingen
Classification: Likely benign. Last evaluated: 2023-05-01. Review status: criteria provided, single submitter. Criteria: CeGaT Center For Human Genetics Tuebingen Variant Classification Criteria Version 2. Collection method: clinical testing. Allele origin: germline. Affected: yes. Observed: 1 variant allele.
Comment: CHL1: BP4, BS2